The following is an entry in ClinVar:

NM_145239.3(PRRT2):c.859G>C (p.Ala287Pro)

Genes: MVP-DT (MVP divergent transcript; minus strand), PRRT2 (proline rich transmembrane protein 2; plus strand). Cytogenetic location: 16p11.2.
Variant type: single nucleotide variant.
Coding change: c.859G>C on transcript NM_145239.3 (MANE Select); coding-DNA position 859, G replaced by C.
Protein change: p.Ala287Pro; replaces alanine 287 with proline.
Molecular consequence: missense variant.
Genome position (GRCh38, 1-based): chr16:29,813,913, G>C. VCF-style: chr16-29813913-G-C. GRCh37 (hg19) VCF-style: chr16-29825234-G-C.
Other names: c.859G>C, p.Ala287Pro (NM_001256442.2, NM_001256443.2); short protein forms A287P.
Identifiers: ClinVar variation 947415 (VCV000947415.13), dbSNP rs1900116554, ClinGen allele CA395480156.

ClinVar aggregate classification (germline): Uncertain significance. Review status: criteria provided, multiple submitters, no conflicts (2 of 4 stars). 2 submissions from 2 submitters: Uncertain significance (2). Last evaluated 2021-01-15.

Conditions:
Episodic kinesigenic dyskinesia (EKD). Also called: Paroxysmal kinesigenic dyskinesia. Identifiers: Orphanet 98809, MedGen C1868682, MONDO:0044202.

Submissions (2):

Labcorp Genetics (formerly Invitae), Labcorp
Classification: Uncertain significance for Episodic kinesigenic dyskinesia. Last evaluated: 2021-01-15. Review status: criteria provided, single submitter. Criteria: Invitae Variant Classification Sherloc (09022015). Collection method: clinical testing. Allele origin: germline.
Comment: In summary, the available evidence is currently insufficient to determine the role of this variant in disease. Therefore, it has been classified as a Variant of Uncertain Significance. This variant disrupts the p.Ala287 amino acid residue in PRRT2. Other variant(s) that disrupt this residue have been determined to be pathogenic (PMID: 25915028, 29801903, 22131361, 31124310). This suggests that this residue is clinically significant, and that variants that disrupt this residue are likely to be disease-causing. Algorithms developed to predict the effect of missense changes on protein structure and function are either unavailable or do not agree on the potential impact of this missense change (SIFT: "Deleterious"; PolyPhen-2: "Benign"; Align-GVGD: "Class C25"). This variant has been observed to segregate with clinical features of benign familial infantile epilepsy in a family (Invitae). ClinVar contains an entry for this variant (Variation ID: 947415). This variant is not present in population databases (ExAC no frequency). This sequence change replaces alanine with proline at codon 287 of the PRRT2 protein (p.Ala287Pro). The alanine residue is highly conserved and there is a small physicochemical difference between alanine and proline.

GeneDx
Classification: Uncertain significance. Last evaluated: 2019-04-29. Review status: criteria provided, single submitter. Criteria: GeneDx Variant Classification Process June 2021. Collection method: clinical testing. Allele origin: germline. Affected: yes.
Comment: Not observed in large population cohorts (Lek et al., 2016); In silico analysis, which includes protein predictors and evolutionary conservation, supports that this variant does not alter protein structure/function; This variant is associated with the following publications: (PMID: 29801903)

Literature cited by the submitters: PubMed 25915028 (cited by Labcorp Genetics (formerly Invitae), Labcorp); PubMed 29801903 (cited by Labcorp Genetics (formerly Invitae), Labcorp); PubMed 22131361 (cited by Labcorp Genetics (formerly Invitae), Labcorp); PubMed 31124310 (cited by Labcorp Genetics (formerly Invitae), Labcorp).